The following is an entry in ClinVar:

ClinVar aggregate classification (germline): Uncertain significance. Review status: criteria provided, single submitter (1 of 4 stars). 2 submissions from 2 submitters: Uncertain significance (1). 1 of the submissions does not count toward it. Last evaluated 2023-08-04.

Conditions:
Peroxisome biogenesis disorder 5A (Zellweger) (PBD5A). Identifiers: Orphanet 912, MedGen C3553940, MONDO:0013932, OMIM 614866.
Peroxisome biogenesis disorder 5B (PBD5B). Identifiers: Orphanet 44, MedGen C3542026, MONDO:0013933, OMIM 614867.

Submissions (2):

Labcorp Genetics (formerly Invitae), Labcorp
Classification: Uncertain significance for Peroxisome biogenesis disorder 5A (Zellweger). Last evaluated: 2023-08-04. Review status: criteria provided, single submitter. Criteria: Invitae Variant Classification Sherloc (09022015). Collection method: clinical testing. Allele origin: germline.
Comment: ClinVar contains an entry for this variant (Variation ID: 556834). In summary, the available evidence is currently insufficient to determine the role of this variant in disease. Therefore, it has been classified as a Variant of Uncertain Significance. Experimental studies and prediction algorithms are not available or were not evaluated, and the functional significance of this variant is currently unknown. This variant has not been reported in the literature in individuals affected with PEX2-related conditions. This variant is not present in population databases (gnomAD no frequency). This variant, c.352_354del, results in the deletion of 1 amino acid(s) of the PEX2 protein (p.Glu118del), but otherwise preserves the integrity of the reading frame.

Counsyl
Classification: Uncertain significance for Peroxisome biogenesis disorder 5A (Zellweger); Peroxisome biogenesis disorder 5B. Last evaluated: 2018-02-21. Review status: no assertion criteria provided. Collection method: clinical testing. Allele origin: unknown. Not counted in ClinVar's aggregate classification.

NM_000318.3(PEX2):c.349GAA[1] (p.Glu118del)

Gene: PEX2 (peroxisomal biogenesis factor 2; minus strand). Cytogenetic location: 8q21.13.
Variant type: Microsatellite.
Coding change: c.349GAA[1] on transcript NM_000318.3 (MANE Select); one copy of the 3-base unit GAA starting at c.349; the reference has two copies in a row; one copy, 3 bases deleted.
Protein change: p.Glu118del; deletes glutamic acid 118.
Molecular consequence: inframe deletion.
Genome position (GRCh38, 1-based): chr8:76,983,825-76,983,827, TTC deleted on the plus strand (GAA on the coding strand, the reverse complement: PEX2 is on the minus strand); deleting any 3 consecutive bases within chr8:76,983,825-76,983,831 gives the same sequence; the position shown is the placement nearest the transcript's 3' end. VCF-style (leftmost placement, unchanged base first): chr8-76983824-GTTC-G. GRCh37 (hg19) VCF-style: chr8-77896060-GTTC-G.
Other names: c.349GAA[1], p.Glu118del (NM_001079867.2, NM_001172086.2, NM_001172087.2); short protein forms E118del.
Identifiers: ClinVar variation 556834 (VCV000556834.6), dbSNP rs1554584507, ClinGen allele CA658821647.